The following is an entry in ClinVar:

ClinVar aggregate classification (germline): Uncertain significance (1 of 4 stars; one submission).

Conditions:
Epidermolysis bullosa simplex 5B, with muscular dystrophy (EBS5B). Also called: EPIDERMOLYSIS BULLOSA SIMPLEX AND LIMB-GIRDLE MUSCULAR DYSTROPHY; Epidermolysis bullosa simplex with muscular dystrophy. Identifiers: Orphanet 257, MedGen C2931072, MONDO:0009181, OMIM 226670.
Epidermolysis bullosa simplex 5C, with pyloric atresia (EBS5C). Also called: PLEC1-Related Epidermolysis Bullosa with Pyloric Atresia; PLEC-Related Epidermolysis Bullosa with Pyloric Atresia; Epidermolysis bullosa simplex with pyloric atresia. Identifiers: Orphanet 158684, MedGen C2677349, MONDO:0012807, OMIM 612138.
Epidermolysis bullosa simplex, Ogna type (EBS5A). Also called: Pidermolysis bullosa simplex 5A, Ogna type; EPIDERMOLYSIS BULLOSA SIMPLEX 5A, OGNA TYPE. Identifiers: Orphanet 79401, MedGen C0432317, MONDO:0007555, OMIM 131950.
Autosomal recessive limb-girdle muscular dystrophy type 2Q (LGMDR17). Also called: MUSCULAR DYSTROPHY, LIMB-GIRDLE, AUTOSOMAL RECESSIVE 17. Identifiers: Orphanet 254361, MedGen C3150989, MONDO:0013390, OMIM 613723.
Epidermolysis bullosa simplex with nail dystrophy (EBS5D). Identifiers: MedGen C4225309, MONDO:0014661, OMIM 616487.

Allele frequency attached by ClinVar (database versions not stated): gnomAD 0.00001; TOPMed 0.00001; ExAC 0.00003.
gnomAD v4.1: 15 of 1,612,410 alleles (0.00093%); highest among the groups gnomAD compares: Admixed American, 0.0033%; no homozygotes.

Submission:

Labcorp Genetics (formerly Invitae), Labcorp
Classification: Uncertain significance for Autosomal recessive limb-girdle muscular dystrophy type 2Q; Epidermolysis bullosa simplex, Ogna type; Epidermolysis bullosa simplex with nail dystrophy; Epidermolysis bullosa simplex 5C, with pyloric atresia; Epidermolysis bullosa simplex 5B, with muscular dystrophy. Last evaluated: 2024-08-31. Review status: criteria provided, single submitter. Criteria: Invitae Variant Classification Sherloc (09022015). Collection method: clinical testing. Allele origin: germline.
Comment: This sequence change replaces serine, which is neutral and polar, with phenylalanine, which is neutral and non-polar, at codon 634 of the PLEC protein (p.Ser634Phe). This variant is present in population databases (rs782818198, gnomAD 0.004%). This variant has not been reported in the literature in individuals affected with PLEC-related conditions. ClinVar contains an entry for this variant (Variation ID: 1491757). Invitae Evidence Modeling of protein sequence and biophysical properties (such as structural, functional, and spatial information, amino acid conservation, physicochemical variation, residue mobility, and thermodynamic stability) indicates that this missense variant is not expected to disrupt PLEC protein function with a negative predictive value of 80%. In summary, the available evidence is currently insufficient to determine the role of this variant in disease. Therefore, it has been classified as a Variant of Uncertain Significance.

NM_201384.3(PLEC):c.1820C>T (p.Ser607Phe)

Gene: PLEC (plectin; minus strand). Cytogenetic location: 8q24.3.
Variant type: single nucleotide variant.
Coding change: c.1820C>T on transcript NM_201384.3 (MANE Select); coding-DNA position 1820, C replaced by T.
Protein change: p.Ser607Phe; replaces serine 607 with phenylalanine.
Molecular consequence: missense variant.
Genome position (GRCh38, 1-based): chr8:143,932,557, G>A on the plus strand (C>T on the coding strand, the complement: PLEC is on the minus strand). VCF-style: chr8-143932557-G-A. GRCh37 (hg19) VCF-style: chr8-145006725-G-A.
Other names: c.1901C>T, p.Ser634Phe (NM_000445.5); c.1778C>T, p.Ser593Phe (NM_201378.4); c.1754C>T, p.Ser585Phe (NM_201379.3); c.2231C>T, p.Ser744Phe (NM_201380.4); c.1724C>T, p.Ser575Phe (NM_201381.3); c.1820C>T, p.Ser607Phe (NM_201382.4); c.1832C>T, p.Ser611Phe (NM_201383.3); short protein forms S593F, S575F, S611F, S634F, S744F, S585F, S607F.
Identifiers: ClinVar variation 1491757 (VCV001491757.8), dbSNP rs782818198, ClinGen allele CA4927826.
Genomic context (GRCh38, chr8:143,932,557, plus strand): 5'-TTAGTGGCGGCTGCCACAAAGCTGTGCAAGCTCTCCAGGGACCTGAGGCGGGCCTTGGAG[G>A]AGTTCTGTGGGCAGGAGGGTGCGTGTCAGCAGGCCGCGGGCTACCCACCTCCCCCGGCTG-3'
Protein context (NP_958786.1, residues 597-617): LDLQYAKLLN[Ser607Phe]SKARLRSLES